The following is an entry in ClinVar:

NM_182643.3(DLC1):c.2301G>A (p.Ala767=)

Gene: DLC1 (DLC1 Rho GTPase activating protein; minus strand). Cytogenetic location: 8p22.
Variant type: single nucleotide variant.
Coding change: c.2301G>A on transcript NM_182643.3 (MANE Select); coding-DNA position 2301, G replaced by A.
Protein change: p.Ala767=; no amino-acid change (alanine 767 retained).
Molecular consequence: synonymous variant.
Genome position (GRCh38, 1-based): chr8:13,100,036, C>T on the plus strand (G>A on the coding strand, the complement: DLC1 is on the minus strand). VCF-style: chr8-13100036-C-T. GRCh37 (hg19) VCF-style: chr8-12957545-C-T.
Other names: c.768G>A, p.Ala256= (NM_001164271.2, NM_001348082.2, NM_001348083.1 and 6 more transcripts); c.1092G>A, p.Ala364= (NM_001316668.2, NM_001413129.1); c.2301G>A, p.Ala767= (NM_001348081.2, NM_001413124.1); c.1083G>A, p.Ala361= (NM_001413130.1); c.741G>A, p.Ala247= (NM_001413131.1, NM_001413137.1); c.1227G>A, p.Ala409= (NM_001413132.1); c.990G>A, p.Ala330= (NM_001413135.1, NM_001413136.1, NM_001413139.1 and 1 more transcripts); c.1125G>A, p.Ala375= (NM_001413140.1); and 1 more.
Identifiers: ClinVar variation 2060474 (VCV002060474.5), dbSNP rs376046492, ClinGen allele CA4638651.

ClinVar aggregate classification (germline): Likely benign. Review status: criteria provided, single submitter (1 of 4 stars). 2 submissions from 2 submitters: Likely benign (1). 1 of the submissions does not count toward it. Last evaluated 2025-04-11.

Conditions:
DLC1-related disorder. Also called: DLC1-related condition.

Allele frequency attached by ClinVar (database versions not stated): ExAC 0.00012; gnomAD 0.00012; ESP Exome Variant Server 0.00015; TOPMed 0.00015.
gnomAD v4.1: 267 of 1,612,972 alleles (0.017%); highest among the groups gnomAD compares: Non-Finnish European, 0.021%; no homozygotes.

Submissions (2):

Labcorp Genetics (formerly Invitae), Labcorp
Classification: Likely benign. Last evaluated: 2025-04-11. Review status: criteria provided, single submitter. Criteria: Invitae Variant Classification Sherloc (09022015). Collection method: clinical testing. Allele origin: germline.

PreventionGenetics, part of Exact Sciences
Classification: Likely benign for DLC1-related condition. Last evaluated: 2024-07-28. Review status: no assertion criteria provided. Collection method: clinical testing. Allele origin: germline. Not counted in ClinVar's aggregate classification.
Comment: This variant is classified as likely benign based on ACMG/AMP sequence variant interpretation guidelines (Richards et al. 2015 PMID: 25741868, with internal and published modifications).